The following is an entry in ClinVar:

ClinVar aggregate classification (germline): Uncertain significance (1 of 4 stars; one submission).

Conditions:
Growth delay due to insulin-like growth factor I resistance. Also called: Insulin-Like Growth Factor I Resistance; Somatomedin end-organ insensitivity to; Somatomedin-c resistance to; IGF-1 resistance; IGF-I RESISTANCE. Identifiers: Orphanet 73273, MedGen C1849157, MONDO:0010038, OMIM 270450.

Allele frequency attached by ClinVar (database versions not stated): gnomAD exomes below 0.00001.
gnomAD v4.1: 1 of 1,614,166 alleles (0.000062%); highest among the groups gnomAD compares: Non-Finnish European, 0.000085%; no homozygotes.

Submission:

Illumina Laboratory Services, Illumina
Classification: Uncertain significance for Growth delay due to insulin-like growth factor I resistance. Last evaluated: 2017-04-28. Review status: criteria provided, single submitter. Criteria: ICSL Variant Classification Criteria 13 December 2019. Collection method: clinical testing. Allele origin: germline.
Comment: This variant was observed as part of a predisposition screen in an ostensibly healthy population. A literature search was performed for the gene, cDNA change, and amino acid change (where applicable). Publications were found based on this search. However, the evidence from the literature, in combination with allele frequency data from public databases where available, was not sufficient to rule this variant in or out of causing disease. Therefore, this variant is classified as a variant of unknown significance.

Literature cited by the submitters: PubMed 18989367; PubMed 16894147; PubMed 15799978.

NM_000875.5(IGF1R):c.261G>C (p.Leu87=)

Gene: IGF1R (insulin like growth factor 1 receptor; plus strand). Cytogenetic location: 15q26.3.
Variant type: single nucleotide variant.
Coding change: c.261G>C on transcript NM_000875.5 (MANE Select); coding-DNA position 261, G replaced by C.
Protein change: p.Leu87=; no amino-acid change (leucine 87 retained).
Molecular consequence: synonymous variant.
Genome position (GRCh38, 1-based): chr15:98,707,728, G>C. VCF-style: chr15-98707728-G-C. GRCh37 (hg19) VCF-style: chr15-99250957-G-C.
Other names: c.261G>C, p.Leu87= (NM_001291858.2).
Identifiers: ClinVar variation 884696 (VCV000884696.4), dbSNP rs1250751011, ClinGen allele CA492686193.